The following is an entry in ClinVar:

ClinVar aggregate classification (germline): Uncertain significance (1 of 4 stars; one submission).

Conditions:
MIPOL1-related disorder. Also called: MIPOL1-related condition.

gnomAD v4.1: 24 of 1,578,912 alleles (0.0015%); highest among the groups gnomAD compares: African/African-American, 0.03%; no homozygotes.

Submission:

PreventionGenetics, part of Exact Sciences
Classification: Uncertain significance for MIPOL1-related condition. Last evaluated: 2025-03-19. Review status: criteria provided, single submitter. Criteria: ACMG Guidelines, 2015. Collection method: clinical testing. Allele origin: germline.
Comment: The MIPOL1 c.374C>G variant is predicted to result in the amino acid substitution p.Thr125Arg. To our knowledge, this variant has not been reported in the literature. This variant is reported in 0.034% of alleles in individuals of African descent in gnomAD. At this time, the clinical significance of this variant is uncertain due to the absence of conclusive functional and genetic evidence.

NM_001388067.1(MIPOL1):c.374C>G (p.Thr125Arg)

Gene: MIPOL1 (mirror-image polydactyly 1; plus strand). Cytogenetic location: 14q13.3.
Variant type: single nucleotide variant.
Coding change: c.374C>G on transcript NM_001388067.1 (MANE Select); coding-DNA position 374, C replaced by G.
Protein change: p.Thr125Arg; replaces threonine 125 with arginine.
Molecular consequence: missense variant.
Genome position (GRCh38, 1-based): chr14:37,268,780, C>G. VCF-style: chr14-37268780-C-G. GRCh37 (hg19) VCF-style: chr14-37737985-C-G.
Other names: c.374C>G, p.Thr125Arg (NM_001195296.2, NM_001195297.2, NM_001388068.1 and 4 more transcripts); c.281C>G, p.Thr94Arg (NM_001388070.1, NM_001388071.1, NM_001388072.1 and 2 more transcripts); short protein forms T94R, T125R.
Identifiers: ClinVar variation 4977340 (VCV004977340.1).